The following is an entry in ClinVar:

NM_001352754.2(ARMC9):c.19C>T (p.His7Tyr)

Gene: ARMC9 (armadillo repeat containing 9; plus strand). Cytogenetic location: 2q37.1.
Variant type: single nucleotide variant.
Coding change: c.19C>T on transcript NM_001352754.2 (MANE Select); coding-DNA position 19, C replaced by T.
Protein change: p.His7Tyr; replaces histidine 7 with tyrosine.
Molecular consequence: missense variant. On other transcripts: non-coding transcript variant (1).
Genome position (GRCh38, 1-based): chr2:231,206,257, C>T. VCF-style: chr2-231206257-C-T. GRCh37 (hg19) VCF-style: chr2-232070970-C-T.
Other names: c.19C>T, p.His7Tyr (NM_001271466.4, NM_001291656.2, NM_001352755.2 and 5 more transcripts); c.19C>T (NM_025139.3); short protein forms H7Y.
Identifiers: ClinVar variation 1949383 (VCV001949383.6), dbSNP rs200925709, ClinGen allele CA2159815.

ClinVar aggregate classification (germline): Uncertain significance. Review status: criteria provided, multiple submitters, no conflicts (2 of 4 stars). 2 submissions from 2 submitters: Uncertain significance (2). Last evaluated 2025-04-24.

Conditions:
Inborn genetic diseases. Identifiers: MedGen C0950123, MeSH D030342.

Allele frequency attached by ClinVar (database versions not stated): gnomAD exomes below 0.00001; ExAC 0.00001; gnomAD 0.00002; TOPMed 0.00002; ESP Exome Variant Server 0.00008.

Submissions (2):

Ambry Genetics
Classification: Uncertain significance for Inborn genetic diseases. Last evaluated: 2025-04-24. Review status: criteria provided, single submitter. Criteria: Ambry Variant Classification Scheme 2023. Collection method: clinical testing. Allele origin: germline.

Labcorp Genetics (formerly Invitae), Labcorp
Classification: Uncertain significance. Last evaluated: 2022-02-21. Review status: criteria provided, single submitter. Criteria: Invitae Variant Classification Sherloc (09022015). Collection method: clinical testing. Allele origin: germline.
Comment: This variant is present in population databases (rs200925709, gnomAD 0.002%). This sequence change replaces histidine, which is basic and polar, with tyrosine, which is neutral and polar, at codon 7 of the ARMC9 protein (p.His7Tyr). This variant has not been reported in the literature in individuals affected with ARMC9-related conditions. In summary, the available evidence is currently insufficient to determine the role of this variant in disease. Therefore, it has been classified as a Variant of Uncertain Significance. Experimental studies and prediction algorithms are not available or were not evaluated, and the functional significance of this variant is currently unknown.